The following is an entry in ClinVar:

NM_001083962.2(TCF4):c.937_941del (p.Gly313fs)

Gene: TCF4 (transcription factor 4; minus strand). Cytogenetic location: 18q21.2.
Variant type: Deletion.
Coding change: c.937_941del on transcript NM_001083962.2 (MANE Select); coding-DNA positions 937 to 941, 5 bases deleted (GGGGC; older notation c.937_941delGGGGC).
Protein change: p.Gly313fs; shifts the reading frame from glycine 313.
Molecular consequence: frameshift variant.
Genome position (GRCh38, 1-based): chr18:55,261,515-55,261,519, GCCCC deleted on the plus strand (GGGGC on the coding strand, the reverse complement: TCF4 is on the minus strand); deleting any 5 consecutive bases within chr18:55,261,515-55,261,521 gives the same sequence; the c. name uses the placement nearest the transcript's 3' end. VCF-style (leftmost placement, unchanged base first): chr18-55261514-TGCCCC-T. GRCh37 (hg19) VCF-style: chr18-52928745-TGCCCC-T.
Other names: c.865_869del, p.Gly289fs (NM_001348218.2, NM_001348219.2, NM_001369582.1 and 9 more transcripts); c.862_866del, p.Gly288fs (NM_001348220.1, NM_001369584.1, NM_001369585.1 and 3 more transcripts); c.937_941del, p.Gly313fs (NM_001369567.1, NM_001369568.1, NM_001369571.1 and 4 more transcripts); c.934_938del, p.Gly312fs (NM_001369569.1, NM_001369570.1, NM_001369573.1); c.1243_1247del, p.Gly415fs (NM_001243226.3); c.955_959del, p.Gly319fs (NM_001243228.2); c.931_935del, p.Gly311fs (NM_001243230.2); c.811_815del, p.Gly271fs (NM_001243231.2, NM_001348211.2); and 4 more; short protein forms G242fs, G289fs, G311fs, G183fs, G312fs, G313fs, G319fs, G97fs.
Identifiers: ClinVar variation 561128 (VCV000561128.2), dbSNP rs1568523662, ClinGen allele CA658825118.
Genomic context (GRCh38, chr18:55,261,514, plus strand): 5'-ATATTTCCTCACCGAAGCAAGTGCTTTCCCCAGAGCATCTCCAGTCTGGGAGCTGCCGGC[TGCCCC>T]GCTTCCTCTATTTGCTGCAAAAACAAAAGGCAGAATATGAAAACCAGGCAGTGAGACGTC-3'

ClinVar aggregate classification (germline): Pathogenic (1 of 4 stars; one submission).

Conditions:
Pitt-Hopkins syndrome (PTHS). Also called: ENCEPHALOPATHY, SEVERE EPILEPTIC, WITH AUTONOMIC DYSFUNCTION; MENTAL RETARDATION, SYNDROMAL, WITH INTERMITTENT HYPERVENTILATION. Identifiers: Orphanet 2896, MedGen C1970431, MONDO:0012589, OMIM 610954.

Submission:

Baylor Genetics
Classification: Pathogenic for Pitt-Hopkins syndrome. Last evaluated: 2017-09-01. Review status: criteria provided, single submitter. Criteria: ACMG Guidelines, 2015. Collection method: clinical testing. Allele origin: de novo. Inheritance: Autosomal dominant inheritance. Affected: yes.

Literature cited by the submitters: PubMed 25326635.